The following is an entry in ClinVar:

NM_001278512.2(AP3B2):c.2992G>T (p.Glu998Ter)

Genes: AP3B2 (adaptor related protein complex 3 subunit beta 2; minus strand), CPEB1-AS1 (CPEB1 antisense RNA 1; plus strand). Cytogenetic location: 15q25.2.
Variant type: single nucleotide variant.
Coding change: c.2992G>T on transcript NM_001278512.2 (MANE Select); coding-DNA position 2992, G replaced by T.
Protein change: p.Glu998Ter; replaces glutamic acid 998 with a stop codon.
Molecular consequence: nonsense.
Genome position (GRCh38, 1-based): chr15:82,661,849, C>A on the plus strand (G>T on the coding strand, the complement: AP3B2 is on the minus strand). VCF-style: chr15-82661849-C-A. GRCh37 (hg19) VCF-style: chr15-83330601-C-A.
Other names: c.2839G>T, p.Glu947Ter (NM_001278511.2); c.124G>T, p.Glu42Ter (NM_001348441.2); c.2935G>T, p.Glu979Ter (NM_004644.5); short protein forms E947*, E42*, E979*, E998*.
Identifiers: ClinVar variation 3686300 (VCV003686300.2).

ClinVar aggregate classification (germline): Pathogenic (1 of 4 stars; one submission).

Submission:

Labcorp Genetics (formerly Invitae), Labcorp
Classification: Pathogenic. Last evaluated: 2024-10-16. Review status: criteria provided, single submitter. Criteria: Invitae Variant Classification Sherloc (09022015). Collection method: clinical testing. Allele origin: germline.
Comment: This sequence change creates a premature translational stop signal (p.Glu979*) in the AP3B2 gene. It is expected to result in an absent or disrupted protein product. Loss-of-function variants in AP3B2 are known to be pathogenic (PMID: 27889060). This variant is not present in population databases (gnomAD no frequency). This variant has not been reported in the literature in individuals affected with AP3B2-related conditions. For these reasons, this variant has been classified as Pathogenic.

Literature cited by the submitters: PubMed 27889060.